The following is an entry in ClinVar:

ClinVar aggregate classification (germline): Uncertain significance (1 of 4 stars; one submission).

Submission:

Dasa
Classification: Uncertain significance. Last evaluated: 2026-05-13. Review status: criteria provided, single submitter. Criteria: DASA Assertion Criteria. Collection method: clinical testing. Allele origin: germline.
Comment: NM_000533.5(PLP1):c.640G>C (p.Ala214Pro) is a missense variant that results in the substitution of alanine with proline. The affected residue or protein region has prior evidence supporting clinical relevance. This variant is absent from population databases. Computational prediction algorithms are consistent with a deleterious effect. The currently available literature and clinical evidence are not sufficient to establish a definitive association between this variant and the reported condition. Therefore, this variant is classified as a variant of uncertain significance.

NM_000533.5(PLP1):c.640G>C (p.Ala214Pro)

Genes: PLP1 (proteolipid protein 1; plus strand), RAB9B (RAB9B, member RAS oncogene family; minus strand). Cytogenetic location: Xq22.2.
Variant type: single nucleotide variant.
Coding change: c.640G>C on transcript NM_000533.5 (MANE Select); coding-DNA position 640, G replaced by C.
Protein change: p.Ala214Pro; replaces alanine 214 with proline.
Molecular consequence: missense variant.
Genome position (GRCh38, 1-based): chrX:103,788,454, G>C. VCF-style: chrX-103788454-G-C. GRCh37 (hg19) VCF-style: chrX-103043383-G-C.
Other names: c.640G>C, p.Ala214Pro (NM_001128834.3); c.475G>C, p.Ala159Pro (NM_001305004.1); c.535G>C, p.Ala179Pro (NM_199478.3); short protein forms A159P, A179P, A214P.
Identifiers: ClinVar variation 5020576 (VCV005020576.1).